The following is an entry in ClinVar:

NM_001184880.2(PCDH19):c.2993C>T (p.Thr998Ile)

Gene: PCDH19 (protocadherin 19; minus strand). Cytogenetic location: Xq22.1.
Variant type: single nucleotide variant.
Coding change: c.2993C>T on transcript NM_001184880.2 (MANE Select); coding-DNA position 2993, C replaced by T.
Protein change: p.Thr998Ile; replaces threonine 998 with isoleucine.
Molecular consequence: missense variant.
Genome position (GRCh38, 1-based): chrX:100,296,731, G>A on the plus strand (C>T on the coding strand, the complement: PCDH19 is on the minus strand). VCF-style: chrX-100296731-G-A. GRCh37 (hg19) VCF-style: chrX-99551729-G-A.
Other names: c.2852C>T, p.Thr951Ile (NM_001105243.2); c.2849C>T, p.Thr950Ile (NM_020766.3); short protein forms T998I, T950I, T951I.
Identifiers: ClinVar variation 3669432 (VCV003669432.2).

ClinVar aggregate classification (germline): Uncertain significance (1 of 4 stars; one submission).

Conditions:
Developmental and epileptic encephalopathy, 9 (DEE9). Also called: Early infantile epileptic encephalopathy 9; EPILEPSY, FEMALE-RESTRICTED, WITH MENTAL RETARDATION; JUBERG-HELLMAN SYNDROME; PCDH19-Related X-Linked Female-Limited Epilepsy with Mental Retardation. Identifiers: Orphanet 101039, Orphanet 2076, MedGen C1848137, MONDO:0010246, OMIM 300088. Disease mechanism: loss of function.

gnomAD v4.1: 1 of 1,211,616 alleles (0.000083%); highest among the groups gnomAD compares: South Asian, 0.0018%; no homozygotes.

Submission:

Labcorp Genetics (formerly Invitae), Labcorp
Classification: Uncertain significance for Developmental and epileptic encephalopathy, 9. Last evaluated: 2024-10-30. Review status: criteria provided, single submitter. Criteria: Invitae Variant Classification Sherloc (09022015). Collection method: clinical testing. Allele origin: germline.
Comment: This sequence change replaces threonine, which is neutral and polar, with isoleucine, which is neutral and non-polar, at codon 998 of the PCDH19 protein (p.Thr998Ile). This variant is not present in population databases (gnomAD no frequency). This variant has not been reported in the literature in individuals affected with PCDH19-related conditions. Invitae Evidence Modeling of protein sequence and biophysical properties (such as structural, functional, and spatial information, amino acid conservation, physicochemical variation, residue mobility, and thermodynamic stability) indicates that this missense variant is not expected to disrupt PCDH19 protein function with a negative predictive value of 95%. In summary, the available evidence is currently insufficient to determine the role of this variant in disease. Therefore, it has been classified as a Variant of Uncertain Significance.